The following is an entry in ClinVar:

NM_001048174.2(MUTYH):c.1080G>A (p.Leu360=)

Gene: MUTYH (mutY DNA glycosylase; minus strand). Cytogenetic location: 1p34.1.
Variant type: single nucleotide variant.
Coding change: c.1080G>A on transcript NM_001048174.2 (MANE Select); coding-DNA position 1080, G replaced by A.
Protein change: p.Leu360=; no amino-acid change (leucine 360 retained).
Molecular consequence: synonymous variant. On other transcripts: non-coding transcript variant (2).
Genome position (GRCh38, 1-based): chr1:45,331,683, C>T on the plus strand (G>A on the coding strand, the complement: MUTYH is on the minus strand). VCF-style: chr1-45331683-C-T. GRCh37 (hg19) VCF-style: chr1-45797355-C-T.
Other names: p.Leu388=; c.1080G>A, p.Leu360= (NM_001048171.2, NM_001048173.2, NM_001293195.2); c.1083G>A, p.Leu361= (NM_001048172.2); c.1164G>A, p.Leu388= (NM_001128425.2); c.1125G>A, p.Leu375= (NM_001293190.2); c.1113G>A, p.Leu371= (NM_001293191.2); c.804G>A, p.Leu268= (NM_001293192.2, NM_001293196.2); c.735G>A, p.Leu245= (NM_001350650.2, NM_001350651.2); and 1 more.
Identifiers: ClinVar variation 383576 (VCV000383576.15), dbSNP rs748664713, ClinGen allele CA055242.

ClinVar aggregate classification (germline): Likely benign. Review status: criteria provided, multiple submitters, no conflicts (2 of 4 stars). 5 submissions from 5 submitters: Likely benign (5). Last evaluated 2025-08-12.

Conditions:
Hereditary cancer-predisposing syndrome. Also called: Neoplastic Syndromes, Hereditary; Hereditary Cancer Syndrome; Hereditary neoplastic syndrome; Tumor predisposition. Identifiers: Orphanet 140162, MedGen C0027672, MeSH D009386, MONDO:0015356.
Familial adenomatous polyposis 2. Also called: ADENOMAS, MULTIPLE COLORECTAL, AUTOSOMAL RECESSIVE; MYH-associated polyposis; Adenomas, multiple colorectal; MUTYH Polyposis; COLORECTAL ADENOMATOUS POLYPOSIS, AUTOSOMAL RECESSIVE; FAP type 2. Identifiers: Orphanet 220460, Orphanet 247798, MedGen C3272841, MONDO:0012041, OMIM 608456.

Allele frequency attached by ClinVar (database versions not stated): gnomAD exomes 0.00001 and 0.00002; ExAC 0.00003.

Submissions (5):

Mayo Clinic Laboratories, Mayo Clinic
Classification: Likely benign. Last evaluated: 2025-08-12. Review status: criteria provided, single submitter. Criteria: ACMG Guidelines, 2015. Collection method: clinical testing. Allele origin: germline. Observed: 1 variant allele.
Comment: BP4, BP7

Labcorp Genetics (formerly Invitae), Labcorp
Classification: Likely benign for Familial adenomatous polyposis 2. Last evaluated: 2024-12-20. Review status: criteria provided, single submitter. Criteria: Invitae Variant Classification Sherloc (09022015). Collection method: clinical testing. Allele origin: germline.

All of Us Research Program, National Institutes of Health
Classification: Likely benign for Familial adenomatous polyposis 2. Last evaluated: 2023-10-02. Review status: criteria provided, single submitter. Criteria: ACMG Guidelines, 2015. Collection method: clinical testing. Allele origin: germline. Inheritance: Autosomal recessive inheritance. Observed: 1 variant allele, 1 heterozygote.
Comment: This study involves interpretation of variants in research participants for the purpose of population health screening. Participant phenotype was not available at the time of variant classification. Additional details can be found in publication PMID: 35346344, PMCID: PMC8962531

Ambry Genetics
Classification: Likely benign for Hereditary cancer-predisposing syndrome. Last evaluated: 2020-03-16. Review status: criteria provided, single submitter. Criteria: Ambry Variant Classification Scheme 2023. Collection method: clinical testing. Allele origin: germline.

GeneDx
Classification: Likely benign. Last evaluated: 2016-02-03. Review status: criteria provided, single submitter. Criteria: GeneDx Variant Classification (06012015). Collection method: clinical testing. Allele origin: germline. Affected: yes.
Comment: This variant is considered likely benign or benign based on one or more of the following criteria: it is a conservative change, it occurs at a poorly conserved position in the protein, it is predicted to be benign by multiple in silico algorithms, and/or has population frequency not consistent with disease.